The following is an entry in ClinVar:

NM_152703.5(SAMD9L):c.752G>C (p.Gly251Ala)

Gene: SAMD9L (sterile alpha motif domain containing 9 like; minus strand). Cytogenetic location: 7q21.2.
Variant type: single nucleotide variant.
Coding change: c.752G>C on transcript NM_152703.5 (MANE Select); coding-DNA position 752, G replaced by C.
Protein change: p.Gly251Ala; replaces glycine 251 with alanine.
Molecular consequence: missense variant.
Genome position (GRCh38, 1-based): chr7:93,135,220, C>G on the plus strand (G>C on the coding strand, the complement: SAMD9L is on the minus strand). VCF-style: chr7-93135220-C-G. GRCh37 (hg19) VCF-style: chr7-92764533-C-G.
Other names: c.752G>C, p.Gly251Ala (NM_001303496.3, NM_001303497.3, NM_001303498.3 and 5 more transcripts); short protein forms G251A.
Identifiers: ClinVar variation 3792401 (VCV003792401.2).

ClinVar aggregate classification (germline): Uncertain significance. Review status: criteria provided, multiple submitters, no conflicts (2 of 4 stars). 2 submissions from 2 submitters: Uncertain significance (2). Last evaluated 2025-04-10.

Conditions:
Inborn genetic diseases. Identifiers: MedGen C0950123, MeSH D030342.

gnomAD v4.1: 24 of 1,614,072 alleles (0.0015%); highest among the groups gnomAD compares: Non-Finnish European, 0.0019%; no homozygotes.

Submissions (2):

Labcorp Genetics (formerly Invitae), Labcorp
Classification: Uncertain significance. Last evaluated: 2025-04-10. Review status: criteria provided, single submitter. Criteria: Invitae Variant Classification Sherloc (09022015). Collection method: clinical testing. Allele origin: germline.
Comment: This sequence change replaces glycine, which is neutral and non-polar, with alanine, which is neutral and non-polar, at codon 251 of the SAMD9L protein (p.Gly251Ala). This variant is present in population databases (rs754914217, gnomAD 0.007%). This variant has not been reported in the literature in individuals affected with SAMD9L-related conditions. An algorithm developed to predict the effect of missense changes on protein structure and function (PolyPhen-2) suggests that this variant is likely to be disruptive. In summary, the available evidence is currently insufficient to determine the role of this variant in disease. Therefore, it has been classified as a Variant of Uncertain Significance.

Ambry Genetics
Classification: Uncertain significance for Inborn genetic diseases. Last evaluated: 2025-02-08. Review status: criteria provided, single submitter. Criteria: Ambry Variant Classification Scheme 2023. Collection method: clinical testing. Allele origin: germline.
Comment: The p.G251A variant (also known as c.752G>C), located in coding exon 1 of the SAMD9L gene, results from a G to C substitution at nucleotide position 752. The glycine at codon 251 is replaced by alanine, an amino acid with similar properties. This amino acid position is conserved. In addition, this alteration is predicted to be tolerated by in silico analysis. Based on the available evidence, the clinical significance of this variant remains unclear.